The following is an entry in ClinVar:

ClinVar aggregate classification (germline): Uncertain significance. Review status: criteria provided, multiple submitters, no conflicts (2 of 4 stars). 2 submissions from 2 submitters: Uncertain significance (2). Last evaluated 2025-02-06.

Conditions:
Familial thoracic aortic aneurysm and aortic dissection (TAAD). Also called: Thoracic aortic aneurysms and dissections. Identifiers: Orphanet 91387, MedGen C4707243, MONDO:0019625.

Allele frequency attached by ClinVar (database versions not stated): ExAC 0.00001.
gnomAD v4.1: 8 of 1,614,092 alleles (0.0005%); highest among the groups gnomAD compares: Middle Eastern, 0.016%; no homozygotes.

Submissions (2):

Women's Health and Genetics/Laboratory Corporation of America, LabCorp
Classification: Uncertain significance. Last evaluated: 2025-02-06. Review status: criteria provided, single submitter. Criteria: LabCorp Variant Classification Summary - May 2015. Collection method: clinical testing. Allele origin: germline.
Comment: Variant summary: MYH11 c.4840G>A (p.Asp1614Asn) results in a conservative amino acid change in the encoded protein sequence. Three of five in-silico tools predict a damaging effect of the variant on protein function. The variant allele was found at a frequency of 8e-06 in 251284 control chromosomes (gnomAD). The available data on variant occurrences in the general population are insufficient to allow any conclusion about variant significance. To our knowledge, no occurrence of c.4840G>A in individuals affected with aortopathy and no experimental evidence demonstrating its impact on protein function have been reported. ClinVar contains an entry for this variant (Variation ID: 1172161). Based on the evidence outlined above, the variant was classified as uncertain significance.

Color Diagnostics, LLC DBA Color Health
Classification: Uncertain significance for Familial thoracic aortic aneurysm and aortic dissection. Last evaluated: 2024-03-06. Review status: criteria provided, single submitter. Criteria: ACMG Guidelines, 2015. Collection method: clinical testing. Allele origin: germline.
Comment: This missense variant replaces aspartic acid with asparagine at codon 1614 of the MYH11 protein. Computational prediction suggests that this variant may not impact protein structure and function (internally defined REVEL score threshold <= 0.5, PMID: 27666373). To our knowledge, functional studies have not been reported for this variant. This variant has not been reported in individuals affected with cardiovascular disorders in the literature. This variant has been identified in 2/251284 chromosomes in the general population by the Genome Aggregation Database (gnomAD). The available evidence is insufficient to determine the role of this variant in disease conclusively. Therefore, this variant is classified as a Variant of Uncertain Significance.

NM_002474.3(MYH11):c.4819G>A (p.Asp1607Asn)

Genes: NDE1 (nudE neurodevelopment protein 1; plus strand), MYH11 (myosin heavy chain 11; minus strand). Cytogenetic location: 16p13.11.
Variant type: single nucleotide variant.
Coding change: c.4819G>A on transcript NM_002474.3 (MANE Select); coding-DNA position 4819, G replaced by A.
Protein change: p.Asp1607Asn; replaces aspartic acid 1607 with asparagine.
Molecular consequence: missense variant. On other transcripts: intron variant (2).
Genome position (GRCh38, 1-based): chr16:15,720,285, C>T on the plus strand (G>A on the coding strand, the complement: MYH11 is on the minus strand). VCF-style: chr16-15720285-C-T. GRCh37 (hg19) VCF-style: chr16-15814142-C-T.
Other names: c.4840G>A, p.Asp1614Asn (NM_001040113.2, NM_001040114.2); c.4819G>A, p.Asp1607Asn (NM_022844.3); c.948-3906C>T (NM_001143979.2, NM_017668.3); short protein forms D1607N, D1614N.
Identifiers: ClinVar variation 1172161 (VCV001172161.4), dbSNP rs771990666, ClinGen allele CA7921530.
Genomic context (GRCh38, chr16:15,720,285, plus strand): 5'-TCAGGTCCCCTTCCAGCTTCTTCTTTGCTGCAGCTGCCAGGGCACGTTGCTTTCGCTCGT[C>T]TTCCAGTTCCGTCTCATACTCGTGAAGCTGGGCGAGGAATAGAGATGTGTGCTGCCCCAC-3'
Protein context (NP_002465.1, residues 1597-1617): QLHEYETELE[Asp1607Asn]ERKQRALAAA